The following is an entry in ClinVar:

ClinVar aggregate classification (germline): Uncertain significance (1 of 4 stars; one submission).

Conditions:
Cutis laxa, autosomal recessive, type 1B (ARCL1B). Also called: EFEMP2-Related Cutis Laxa; CUTIS LAXA, AUTOSOMAL RECESSIVE, TYPE IB. Identifiers: Orphanet 90349, MedGen C3280798, MONDO:0013754, OMIM 614437. Disease mechanism: loss of function.

Submission:

Labcorp Genetics (formerly Invitae), Labcorp
Classification: Uncertain significance for Cutis laxa, autosomal recessive, type 1B. Last evaluated: 2024-10-08. Review status: criteria provided, single submitter. Criteria: Invitae Variant Classification Sherloc (09022015). Collection method: clinical testing. Allele origin: germline.
Comment: This sequence change replaces asparagine, which is neutral and polar, with serine, which is neutral and polar, at codon 333 of the EFEMP2 protein (p.Asn333Ser). This variant is not present in population databases (gnomAD no frequency). This variant has not been reported in the literature in individuals affected with EFEMP2-related conditions. Invitae Evidence Modeling of protein sequence and biophysical properties (such as structural, functional, and spatial information, amino acid conservation, physicochemical variation, residue mobility, and thermodynamic stability) has been performed for this missense variant. However, the output from this modeling did not meet the statistical confidence thresholds required to predict the impact of this variant on EFEMP2 protein function. Algorithms developed to predict the effect of sequence changes on RNA splicing suggest that this variant may disrupt the consensus splice site. In summary, the available evidence is currently insufficient to determine the role of this variant in disease. Therefore, it has been classified as a Variant of Uncertain Significance.

NM_016938.5(EFEMP2):c.998A>G (p.Asn333Ser)

Gene: EFEMP2 (EGF-like fibulin extracellular matrix protein 2; minus strand). Cytogenetic location: 11q13.1.
Variant type: single nucleotide variant.
Coding change: c.998A>G on transcript NM_016938.5 (MANE Select); coding-DNA position 998, A replaced by G.
Protein change: p.Asn333Ser; replaces asparagine 333 with serine.
Molecular consequence: missense variant. On other transcripts: non-coding transcript variant (1).
Genome position (GRCh38, 1-based): chr11:65,868,033, T>C on the plus strand (A>G on the coding strand, the complement: EFEMP2 is on the minus strand). VCF-style: chr11-65868033-T-C. GRCh37 (hg19) VCF-style: chr11-65635504-T-C.
Other names: short protein forms N333S.
Identifiers: ClinVar variation 3682721 (VCV003682721.2).